The following is an entry in ClinVar:

ClinVar aggregate classification (germline): Uncertain significance (1 of 4 stars; one submission).

Submission:

Labcorp Genetics (formerly Invitae), Labcorp
Classification: Uncertain significance. Last evaluated: 2022-05-06. Review status: criteria provided, single submitter. Criteria: Invitae Variant Classification Sherloc (09022015). Collection method: clinical testing. Allele origin: germline.
Comment: This sequence change replaces asparagine, which is neutral and polar, with serine, which is neutral and polar, at codon 7 of the CNGA1 protein (p.Asn7Ser). This variant is not present in population databases (gnomAD no frequency). This variant has not been reported in the literature in individuals affected with CNGA1-related conditions. Algorithms developed to predict the effect of missense changes on protein structure and function (SIFT, PolyPhen-2, Align-GVGD) all suggest that this variant is likely to be tolerated. In summary, the available evidence is currently insufficient to determine the role of this variant in disease. Therefore, it has been classified as a Variant of Uncertain Significance.

NM_001379270.1(CNGA1):c.8A>G (p.Asn3Ser)

Genes: CNGA1 (cyclic nucleotide gated channel subunit alpha 1; minus strand), LOC101927157 (uncharacterized LOC101927157; plus strand). Cytogenetic location: 4p12.
Variant type: single nucleotide variant.
Coding change: c.8A>G on transcript NM_001379270.1 (MANE Select); coding-DNA position 8, A replaced by G.
Protein change: p.Asn3Ser; replaces asparagine 3 with serine.
Molecular consequence: missense variant.
Genome position (GRCh38, 1-based): chr4:47,952,682, T>C on the plus strand (A>G on the coding strand, the complement: CNGA1 is on the minus strand). VCF-style: chr4-47952682-T-C. GRCh37 (hg19) VCF-style: chr4-47954699-T-C.
Other names: c.8A>G, p.Asn3Ser (NM_000087.5, NM_001142564.2); c.20A>G, p.Asn7Ser (NM_001375386.1); short protein forms N7S, N3S.
Identifiers: ClinVar variation 2134825 (VCV002134825.1), dbSNP rs866375716, ClinGen allele CA356836809.